The following is an entry in ClinVar:

ClinVar aggregate classification (germline): Benign/Likely benign. Review status: criteria provided, multiple submitters, no conflicts (2 of 4 stars). 7 submissions from 7 submitters: Benign (1); Likely benign (5). 1 of the submissions does not count toward it. Last evaluated 2026-06-04.

Conditions:
KIT-related disorder. Also called: KIT-related condition.
Gastrointestinal stromal tumor. Also called: Gastrointestinal stromal tumor, somatic; Gastrointestinal stroma tumor. Identifiers: Orphanet 44890, MedGen C0238198, MeSH D046152, MONDO:0011719, OMIM 606764, HP:0100723.
Hereditary cancer-predisposing syndrome. Also called: Tumor predisposition; Hereditary Cancer Syndrome; Neoplastic Syndromes, Hereditary; Hereditary neoplastic syndrome. Identifiers: Orphanet 140162, MedGen C0027672, MeSH D009386, MONDO:0015356.

Allele frequency attached by ClinVar (database versions not stated): gnomAD exomes 0.00004 and 0.00005; TOPMed 0.00004; gnomAD 0.00005; ExAC 0.00006; ESP Exome Variant Server 0.00008; 1000 Genomes Project 30x 0.00016; 1000 Genomes Project 0.00020.
gnomAD v4.1: 62 of 1,614,004 alleles (0.0038%); highest among the groups gnomAD compares: Middle Eastern, 0.033%; no homozygotes.

Submissions (7):

Myriad Genetics, Inc.
Classification: Benign for Gastrointestinal stromal tumor. Last evaluated: 2026-06-04. Review status: criteria provided, single submitter. Criteria: Myriad Autosomal Dominant, Autosomal Recessive and X-Linked Classification Criteria (2023). Collection method: clinical testing. Allele origin: unknown.
Comment: This variant is considered benign. This variant is a silent/synonymous amino acid change and it is not expected to impact splicing.

Labcorp Genetics (formerly Invitae), Labcorp
Classification: Likely benign for Gastrointestinal stromal tumor. Last evaluated: 2026-01-19. Review status: criteria provided, single submitter. Criteria: Invitae Variant Classification Sherloc (09022015). Collection method: clinical testing. Allele origin: germline.

CeGaT Center for Human Genetics Tuebingen
Classification: Likely benign. Last evaluated: 2025-10-01. Review status: criteria provided, single submitter. Criteria: CeGaT Center For Human Genetics Tuebingen Variant Classification Criteria Version 2. Collection method: clinical testing. Allele origin: germline. Affected: yes. Observed: 2 variant alleles.
Comment: KIT: BP4, BP7

Blueprint Genetics
Classification: Likely benign. Last evaluated: 2024-10-11. Review status: criteria provided, single submitter. Criteria: ACMG Guidelines, 2015. Collection method: clinical testing. Allele origin: germline.

KCCC/NGS Laboratory, Kuwait Cancer Control Center
Classification: Likely benign for Gastrointestinal stromal tumor. Last evaluated: 2023-07-07. Review status: criteria provided, single submitter. Criteria: ACMG Guidelines, 2015. Collection method: clinical testing. Allele origin: germline. Affected: yes.

Ambry Genetics
Classification: Likely benign for Hereditary cancer-predisposing syndrome. Last evaluated: 2019-01-31. Review status: criteria provided, single submitter. Criteria: Ambry Variant Classification Scheme 2023. Collection method: clinical testing. Allele origin: germline.

PreventionGenetics, part of Exact Sciences
Classification: Likely benign for KIT-related condition. Last evaluated: 2023-04-17. Review status: no assertion criteria provided. Collection method: clinical testing. Allele origin: germline. Not counted in ClinVar's aggregate classification.
Comment: This variant is classified as likely benign based on ACMG/AMP sequence variant interpretation guidelines (Richards et al. 2015 PMID: 25741868, with internal and published modifications).

NM_000222.3(KIT):c.1848G>A (p.Ala616=)

Gene: KIT (KIT proto-oncogene, receptor tyrosine kinase; plus strand). Cytogenetic location: 4q12.
Variant type: single nucleotide variant.
Coding change: c.1848G>A on transcript NM_000222.3 (MANE Select); coding-DNA position 1848, G replaced by A.
Protein change: p.Ala616=; no amino-acid change (alanine 616 retained).
Molecular consequence: synonymous variant.
Genome position (GRCh38, 1-based): chr4:54,727,896, G>A. VCF-style: chr4-54727896-G-A. GRCh37 (hg19) VCF-style: chr4-55594062-G-A.
Other names: c.1836G>A, p.Ala612= (NM_001093772.2, NM_001385286.1); c.1851G>A, p.Ala617= (NM_001385284.1, NM_001385290.1); c.1848G>A, p.Ala616= (NM_001385285.1); c.1839G>A, p.Ala613= (NM_001385288.1, NM_001385292.1).
Identifiers: ClinVar variation 237249 (VCV000237249.27), dbSNP rs148853099, ClinGen allele CA2923584.
Genomic context (GRCh38, chr4:54,727,896, plus strand): 5'-TGCTGGAGCTTTCGGGAAGGTTGTTGAGGCAACTGCTTATGGCTTAATTAAGTCAGATGC[G>A]GCCATGACTGTCGCTGTAAAGATGCTCAAGCGTAAGTTCCTGTATGGTACTGCATGCGCT-3'
Protein context (NP_000213.1, residues 606-626): ATAYGLIKSD[Ala616=]AMTVAVKMLK